The following is an entry in ClinVar:

NM_002547.3(OPHN1):c.977C>T (p.Thr326Met)

Gene: OPHN1 (oligophrenin 1; minus strand). Cytogenetic location: Xq12.
Variant type: single nucleotide variant.
Coding change: c.977C>T on transcript NM_002547.3 (MANE Select); coding-DNA position 977, C replaced by T.
Protein change: p.Thr326Met; replaces threonine 326 with methionine.
Molecular consequence: missense variant.
Genome position (GRCh38, 1-based): chrX:68,201,667, G>A on the plus strand (C>T on the coding strand, the complement: OPHN1 is on the minus strand). VCF-style: chrX-68201667-G-A. GRCh37 (hg19) VCF-style: chrX-67421509-G-A.
Other names: short protein forms T326M.
Identifiers: ClinVar variation 1193428 (VCV001193428.10), dbSNP rs1160403612, ClinGen allele CA413433383.
Genomic context (GRCh38, chrX:68,201,667, plus strand): 5'-GGCACAGCTTACCTTTCATTAGTTTCTATGTCAAAACAGAACCTCTTGTCGATAGACTCC[G>A]TCTTCCTTCTCACACAGTACTTCAGTGTTAAGTCCAAGGGCCCCTGATATGAAACAAGAA-3'
Protein context (NP_002538.1, residues 316-336): LTLKYCVRRK[Thr326Met]ESIDKRFCFD

ClinVar aggregate classification (germline): Likely pathogenic. Review status: criteria provided, multiple submitters, no conflicts (2 of 4 stars). 2 submissions from 2 submitters: Likely pathogenic (2). Last evaluated 2025-10-09.

Conditions:
Intellectual developmental disorder, X-linked, syndromic, Billuart type. Also called: X-linked intellectual disability-cerebellar hypoplasia syndrome; MENTAL RETARDATION, X-LINKED 60. Identifiers: Orphanet 137831, MedGen C1845366, MONDO:0010337, OMIM 300486.

Allele frequency attached by ClinVar (database versions not stated): gnomAD exomes 0.00001; gnomAD 0.00002; TOPMed 0.00002.
gnomAD v4.1: 11 of 1,208,529 alleles (0.00091%); highest among the groups gnomAD compares: South Asian, 0.0018%; no homozygotes.

Submissions (2):

GeneDx
Classification: Likely pathogenic. Last evaluated: 2025-10-09. Review status: criteria provided, single submitter. Criteria: GeneDx Variant Classification Process June 2021. Collection method: clinical testing. Allele origin: germline. Affected: yes.
Comment: In silico analysis supports that this missense variant has a deleterious effect on protein structure/function; Has not been previously published as pathogenic or benign to our knowledge; Not observed at significant frequency in large population cohorts (gnomAD)

First Genomix Gene Laboratory, Genetic Diagnostics Department
Classification: Likely pathogenic for Intellectual developmental disorder, X-linked, syndromic, Billuart type. Last evaluated: 2025-06-26. Review status: criteria provided, single submitter. Criteria: ACMG Guidelines, 2015. Collection method: clinical testing. Allele origin: germline. Inheritance: X-linked recessive inheritance. Affected: no. Observed: 1 variant allele.